The following is an entry in ClinVar:

NM_002709.3(PPP1CB):c.20A>C (p.Asn7Thr)

Gene: PPP1CB (protein phosphatase 1 catalytic subunit beta; plus strand). Cytogenetic location: 2p23.2.
Variant type: single nucleotide variant.
Coding change: c.20A>C on transcript NM_002709.3 (MANE Select); coding-DNA position 20, A replaced by C.
Protein change: p.Asn7Thr; replaces asparagine 7 with threonine.
Molecular consequence: missense variant.
Genome position (GRCh38, 1-based): chr2:28,752,144, A>C. VCF-style: chr2-28752144-A-C. GRCh37 (hg19) VCF-style: chr2-28975010-A-C.
Other names: c.20A>C, p.Asn7Thr (NM_206876.2); short protein forms N7T.
Identifiers: ClinVar variation 2777738 (VCV002777738.3), dbSNP rs2465671043, ClinGen allele CA346584368.
Genomic context (GRCh38, chr2:28,752,144, plus strand): 5'-CCTTGTTCCCGCTGCTGGGAAGGAGAGTCTGTGCCGACAAGATGGCGGACGGGGAGCTGA[A>C]CGTGGACAGCCTCATCACCCGGCTGCTGGAGGGTGAGTGCGCGCCTGGCCGCGGGACAGA-3'
Protein context (NP_002700.1, residues 1-17): MADGEL[Asn7Thr]VDSLITRLLE

ClinVar aggregate classification (germline): Uncertain significance (1 of 4 stars; one submission).

Submission:

Labcorp Genetics (formerly Invitae), Labcorp
Classification: Uncertain significance. Last evaluated: 2024-01-20. Review status: criteria provided, single submitter. Criteria: Invitae Variant Classification Sherloc (09022015). Collection method: clinical testing. Allele origin: germline.
Comment: This sequence change replaces asparagine, which is neutral and polar, with threonine, which is neutral and polar, at codon 7 of the PPP1CB protein (p.Asn7Thr). This variant is not present in population databases (gnomAD no frequency). This variant has not been reported in the literature in individuals affected with PPP1CB-related conditions. An algorithm developed to predict the effect of missense changes on protein structure and function (PolyPhen-2) suggests that this variant is likely to be tolerated. In summary, the available evidence is currently insufficient to determine the role of this variant in disease. Therefore, it has been classified as a Variant of Uncertain Significance.